The following is an entry in ClinVar:

NM_004006.3(DMD):c.6859G>C (p.Glu2287Gln)

Gene: DMD (dystrophin; minus strand). Cytogenetic location: Xp21.1.
Variant type: single nucleotide variant.
Coding change: c.6859G>C on transcript NM_004006.3 (MANE Select); coding-DNA position 6859, G replaced by C.
Protein change: p.Glu2287Gln; replaces glutamic acid 2287 with glutamine.
Molecular consequence: missense variant. On other transcripts: 5 prime UTR variant (5).
Genome position (GRCh38, 1-based): chrX:31,929,649, C>G on the plus strand (G>C on the coding strand, the complement: DMD is on the minus strand). VCF-style: chrX-31929649-C-G. GRCh37 (hg19) VCF-style: chrX-31947766-C-G.
Other names: c.6835G>C, p.Glu2279Gln (NM_000109.4); c.6847G>C, p.Glu2283Gln (NM_004009.3); c.6490G>C, p.Glu2164Gln (NM_004010.3); c.2836G>C, p.Glu946Gln (NM_004011.4); c.2827G>C, p.Glu943Gln (NM_004012.4); c.-522G>C (NM_004013.3, NM_004020.4, NM_004021.3 and 2 more transcripts); short protein forms E2279Q, E943Q, E2283Q, E2164Q, E2287Q, E946Q.
Identifiers: ClinVar variation 2005150 (VCV002005150.4), dbSNP rs2533417349, ClinGen allele CA412657873.
Genomic context (GRCh38, chrX:31,929,649, plus strand): 5'-GTCTAACCTTTATCCACTGGAGATTTGTCTGCTTGAGCTTATTTTCAAGTTTATCTTGCT[C>G]TTCTGGGCTTATGGGAGCACTTACAAGCACGGGTCCTCCAGTTTCATTTAATTGTTTGAG-3'
Protein context (NP_003997.2, residues 2277-2297): VLVSAPISPE[Glu2287Gln]QDKLENKLKQ

ClinVar aggregate classification (germline): Uncertain significance (1 of 4 stars; one submission).

Conditions:
Duchenne muscular dystrophy (DMD). Also called: MUSCULAR DYSTROPHY, PSEUDOHYPERTROPHIC PROGRESSIVE, DUCHENNE TYPE; Duchenne Muscular Dystrophy (DMD). Identifiers: Orphanet 98896, MedGen C0013264, MONDO:0010679, OMIM 310200.

Submission:

Labcorp Genetics (formerly Invitae), Labcorp
Classification: Uncertain significance for Duchenne muscular dystrophy. Last evaluated: 2022-08-08. Review status: criteria provided, single submitter. Criteria: Invitae Variant Classification Sherloc (09022015). Collection method: clinical testing. Allele origin: germline.
Comment: In summary, the available evidence is currently insufficient to determine the role of this variant in disease. Therefore, it has been classified as a Variant of Uncertain Significance. Algorithms developed to predict the effect of missense changes on protein structure and function are either unavailable or do not agree on the potential impact of this missense change (SIFT: "Tolerated"; PolyPhen-2: "Possibly Damaging"; Align-GVGD: "Class C0"). This variant has not been reported in the literature in individuals affected with DMD-related conditions. This variant is not present in population databases (gnomAD no frequency). This sequence change replaces glutamic acid, which is acidic and polar, with glutamine, which is neutral and polar, at codon 2287 of the DMD protein (p.Glu2287Gln).